The following is an entry in ClinVar:

ClinVar aggregate classification (germline): Uncertain significance (1 of 4 stars; one submission).

Conditions:
Cardiovascular phenotype. Identifiers: MedGen CN230736.

Allele frequency attached by ClinVar (database versions not stated): ExAC 0.00001; gnomAD exomes 0.00001.
gnomAD v4.1: 7 of 1,613,512 alleles (0.00043%); highest among the groups gnomAD compares: Non-Finnish European, 0.00059%; no homozygotes.

Submission:

Ambry Genetics
Classification: Uncertain significance for Cardiovascular phenotype. Last evaluated: 2022-11-10. Review status: criteria provided, single submitter. Criteria: Ambry Variant Classification Scheme 2023. Collection method: clinical testing. Allele origin: germline.
Comment: The p.T2442I variant (also known as c.7325C>T), located in coding exon 20 of the TNXB gene, results from a C to T substitution at nucleotide position 7325. The threonine at codon 2442 is replaced by isoleucine, an amino acid with similar properties. This amino acid position is poorly conserved in available vertebrate species. In addition, this alteration is predicted to be tolerated by in silico analysis. Since supporting evidence is limited at this time, the clinical significance of this alteration remains unclear.

NM_001365276.2(TNXB):c.7325C>T (p.Thr2442Ile)

Gene: TNXB (tenascin XB; minus strand). Cytogenetic location: 6p21.33.
Variant type: single nucleotide variant.
Coding change: c.7325C>T on transcript NM_001365276.2 (MANE Select); coding-DNA position 7325, C replaced by T.
Protein change: p.Thr2442Ile; replaces threonine 2442 with isoleucine.
Molecular consequence: missense variant.
Genome position (GRCh38, 1-based): chr6:32,061,564, G>A on the plus strand (C>T on the coding strand, the complement: TNXB is on the minus strand). VCF-style: chr6-32061564-G-A. GRCh37 (hg19) VCF-style: chr6-32029341-G-A.
Other names: c.7325C>T, p.Thr2442Ile (NM_019105.8); short protein forms T2442I.
Identifiers: ClinVar variation 1758332 (VCV001758332.3), dbSNP rs763850103, ClinGen allele CA3734190.
Genomic context (GRCh38, chr6:32,061,564, plus strand): 5'-CTCTCCTCGCCCCCAACACGCACCACCTGGGGCCGCCCGTCCCTGTCCTTGTACTGCACG[G>A]TGAAGGAGTCGAAGCGGCCCTGGGGGACGGTCCAGGAGAGGCTCAGCGAGTCAGGGGAGG-3'
Protein context (NP_001352205.1, residues 2432-2452): TVPQGRFDSF[Thr2442Ile]VQYKDRDGRP